The following is an entry in ClinVar:

NM_001942.4(DSG1):c.3107G>T (p.Arg1036Leu)

Genes: DSG1 (desmoglein 1; plus strand), DSG1-AS1 (DSG1 antisense RNA 1; minus strand). Cytogenetic location: 18q12.1.
Variant type: single nucleotide variant.
Coding change: c.3107G>T on transcript NM_001942.4 (MANE Select); coding-DNA position 3107, G replaced by T.
Protein change: p.Arg1036Leu; replaces arginine 1036 with leucine.
Molecular consequence: missense variant.
Genome position (GRCh38, 1-based): chr18:31,355,303, G>T. VCF-style: chr18-31355303-G-T. GRCh37 (hg19) VCF-style: chr18-28935266-G-T.
Other names: short protein forms R1036L.
Identifiers: ClinVar variation 1507055 (VCV001507055.6), dbSNP rs778003137, ClinGen allele CA402126016.

ClinVar aggregate classification (germline): Uncertain significance (1 of 4 stars; one submission).

gnomAD v4.1: 9 of 1,614,040 alleles (0.00056%); highest among the groups gnomAD compares: Non-Finnish European, 0.00076%; no homozygotes.

Submission:

Labcorp Genetics (formerly Invitae), Labcorp
Classification: Uncertain significance. Last evaluated: 2023-08-04. Review status: criteria provided, single submitter. Criteria: Invitae Variant Classification Sherloc (09022015). Collection method: clinical testing. Allele origin: germline.
Comment: In summary, the available evidence is currently insufficient to determine the role of this variant in disease. Therefore, it has been classified as a Variant of Uncertain Significance. An algorithm developed to predict the effect of missense changes on protein structure and function (PolyPhen-2) suggests that this variant is likely to be disruptive. ClinVar contains an entry for this variant (Variation ID: 1507055). This variant has not been reported in the literature in individuals affected with DSG1-related conditions. The frequency data for this variant in the population databases is considered unreliable, as metrics indicate poor data quality at this position in the gnomAD database. This sequence change replaces arginine, which is basic and polar, with leucine, which is neutral and non-polar, at codon 1036 of the DSG1 protein (p.Arg1036Leu).